The following is an entry in ClinVar:

NM_138420.4(AHNAK2):c.6555C>T (p.Ala2185=)

Gene: AHNAK2 (AHNAK nucleoprotein 2; minus strand). Cytogenetic location: 14q32.33.
Variant type: single nucleotide variant.
Coding change: c.6555C>T on transcript NM_138420.4 (MANE Select); coding-DNA position 6555, C replaced by T.
Protein change: p.Ala2185=; no amino-acid change (alanine 2185 retained).
Molecular consequence: synonymous variant.
Genome position (GRCh38, 1-based): chr14:104,948,896, G>A on the plus strand (C>T on the coding strand, the complement: AHNAK2 is on the minus strand). VCF-style: chr14-104948896-G-A. GRCh37 (hg19) VCF-style: chr14-105415233-G-A.
Other names: c.6255C>T, p.Ala2085= (NM_001350929.2).
Identifiers: ClinVar variation 3341620 (VCV003341620.16).

ClinVar aggregate classification (germline): Likely benign (1 of 4 stars; one submission).

gnomAD v4.1: 427 of 1,603,894 alleles (0.027%); highest among the groups gnomAD compares: South Asian, 0.046%; no homozygotes.

Submission:

CeGaT Center for Human Genetics Tuebingen
Classification: Likely benign. Last evaluated: 2024-08-01. Review status: criteria provided, single submitter. Criteria: CeGaT Center For Human Genetics Tuebingen Variant Classification Criteria Version 2. Collection method: clinical testing. Allele origin: germline. Affected: yes. Observed: 1 variant allele.
Comment: AHNAK2: BP4, BP7